The following is an entry in ClinVar:

NM_006005.3(WFS1):c.1780C>T (p.Leu594Phe)

Gene: WFS1 (wolframin ER transmembrane glycoprotein; plus strand). Cytogenetic location: 4p16.1.
Variant type: single nucleotide variant.
Coding change: c.1780C>T on transcript NM_006005.3 (MANE Select); coding-DNA position 1780, C replaced by T.
Protein change: p.Leu594Phe; replaces leucine 594 with phenylalanine.
Molecular consequence: missense variant.
Genome position (GRCh38, 1-based): chr4:6,301,575, C>T. VCF-style: chr4-6301575-C-T. GRCh37 (hg19) VCF-style: chr4-6303302-C-T.
Other names: c.1780C>T, p.Leu594Phe (NM_001145853.1); short protein forms L594F.
Identifiers: ClinVar variation 1370284 (VCV001370284.7), dbSNP rs1244185605, ClinGen allele CA356176834.

ClinVar aggregate classification (germline): Uncertain significance. Review status: criteria provided, multiple submitters, no conflicts (2 of 4 stars). 2 submissions from 2 submitters: Uncertain significance (2). Last evaluated 2025-04-08.

Conditions:
Inborn genetic diseases. Identifiers: MedGen C0950123, MeSH D030342.

Submissions (2):

Ambry Genetics
Classification: Uncertain significance for Inborn genetic diseases. Last evaluated: 2025-04-08. Review status: criteria provided, single submitter. Criteria: Ambry Variant Classification Scheme 2023. Collection method: clinical testing. Allele origin: germline.

Labcorp Genetics (formerly Invitae), Labcorp
Classification: Uncertain significance. Last evaluated: 2021-07-27. Review status: criteria provided, single submitter. Criteria: Invitae Variant Classification Sherloc (09022015). Collection method: clinical testing. Allele origin: germline.
Comment: This sequence change replaces leucine with phenylalanine at codon 594 of the WFS1 protein (p.Leu594Phe). The leucine residue is highly conserved and there is a small physicochemical difference between leucine and phenylalanine. This variant is not present in population databases (ExAC no frequency). This variant has not been reported in the literature in individuals affected with WFS1-related conditions. Advanced modeling of protein sequence and biophysical properties (such as structural, functional, and spatial information, amino acid conservation, physicochemical variation, residue mobility, and thermodynamic stability) performed at Invitae indicates that this missense variant is not expected to disrupt WFS1 protein function. In summary, the available evidence is currently insufficient to determine the role of this variant in disease. Therefore, it has been classified as a Variant of Uncertain Significance.